The following is an entry in ClinVar:

NM_000038.6(APC):c.135+6_135+7del

Gene: APC (APC regulator of Wnt signaling pathway; plus strand). Cytogenetic location: 5q22.2.
Variant type: Deletion.
Coding change: c.135+6_135+7del on transcript NM_000038.6 (MANE Select); bases 6 to 7 of the intron after coding-DNA position 135, 2 bases deleted (AA; older notation c.135+6_135+7delAA).
Molecular consequence: intron variant.
Genome position (GRCh38, 1-based): chr5:112,755,031-112,755,032, AA deleted. VCF-style (leftmost placement, unchanged base first): chr5-112755030-CAA-C. GRCh37 (hg19) VCF-style: chr5-112090727-CAA-C.
Other names: c.-901+6_-901+7del (NM_001407470.1, NM_001407472.1, NM_001354906.2 and 1 more transcripts); c.135+6_135+7del (NM_001407447.1, NM_001354895.2, NM_001407456.1 and 16 more transcripts); c.166-11295_166-11294del (NM_001407446.1, NM_001354897.2, NM_001354902.2 and 1 more transcripts); c.-42-11295_-42-11294del (NM_001407453.1, NM_001354900.2, NM_001354901.2 and 1 more transcripts); c.61-11295_61-11294del (NM_001407451.1, NM_001354898.2, NM_001354904.2).
Identifiers: ClinVar variation 2911022 (VCV002911022.6), dbSNP rs2532139992, ClinGen allele CA2674864573.
Genomic context (GRCh38, chr5:112,755,030, plus strand): 5'-TAGAAGATAATTCCAATCATCTTACAAAACTGGAAACTGAGGCATCTAATATGAAGGTAT[CAA>C]GACTGTGACTTTTAATTGTAGTTTATCCATTTTTATTCAGTATTCCCTCTTGTAAACTTG-3'

ClinVar aggregate classification (germline): Conflicting classifications of pathogenicity. Review status: criteria provided, conflicting classifications (1 of 4 stars). 3 submissions from 3 submitters: Uncertain significance (2); Likely benign (1). Last evaluated 2025-10-20.

Conditions:
Familial adenomatous polyposis 1 (FAP1). Also called: FAMILIAL ADENOMATOUS POLYPOSIS 1, ATTENUATED; POLYPOSIS, ADENOMATOUS INTESTINAL. Identifiers: MedGen C2713442, MONDO:0021056, OMIM 175100. Disease mechanism: loss of function.
Classic or attenuated familial adenomatous polyposis. Identifiers: MedGen CN372698, MONDO:0021057.
Hereditary cancer-predisposing syndrome. Also called: Hereditary Cancer Syndrome; Tumor predisposition; Hereditary neoplastic syndrome; Neoplastic Syndromes, Hereditary. Identifiers: Orphanet 140162, MedGen C0027672, MeSH D009386, MONDO:0015356.

Allele frequency attached by ClinVar (database versions not stated): gnomAD exomes below 0.00001.

Submissions (3):

Color Diagnostics, LLC DBA Color Health
Classification: Uncertain significance for Hereditary cancer-predisposing syndrome. Last evaluated: 2025-10-20. Review status: criteria provided, single submitter. Criteria: ACMG Guidelines, 2015. Collection method: clinical testing. Allele origin: germline.
Comment: This variant deletes two nucleotides at position +6 and +7 in intron 2 of the APC gene. Splice site prediction tools suggest that this variant may not impact RNA splicing. To our knowledge, RNA studies have not been reported for this variant. This variant has not been reported in individuals affected with APC-related disorders in the literature. This variant has been identified in 1/1460982 chromosomes in the general population by the Genome Aggregation Database (gnomAD). The available evidence is insufficient to determine the role of this variant in disease conclusively. Therefore, this variant is classified as a Variant of Uncertain Significance.

Labcorp Genetics (formerly Invitae), Labcorp
Classification: Likely benign for Familial adenomatous polyposis 1. Last evaluated: 2025-10-07. Review status: criteria provided, single submitter. Criteria: Invitae Variant Classification Sherloc (09022015). Collection method: clinical testing. Allele origin: germline.

All of Us Research Program, National Institutes of Health
Classification: Uncertain significance for Classic or attenuated familial adenomatous polyposis. Last evaluated: 2023-10-02. Review status: criteria provided, single submitter. Criteria: ACMG Guidelines, 2015. Collection method: clinical testing. Allele origin: germline. Inheritance: Autosomal dominant inheritance. Observed: 1 variant allele, 1 heterozygote.
Comment: This variant deletes two nucleotides at position +6 and +7 in intron 2 of the APC gene. Splice site prediction tools suggest that this variant may not impact RNA splicing. To our knowledge, RNA studies have not been reported for this variant. This variant has not been reported in individuals affected with APC-related disorders in the literature. This variant has not been identified in the general population by the Genome Aggregation Database (gnomAD). The available evidence is insufficient to determine the role of this variant in disease conclusively. Therefore, this variant is classified as a Variant of Uncertain Significance.

This study involves interpretation of variants in research participants for the purpose of population health screening. Participant phenotype was not available at the time of variant classification. Additional details can be found in publication PMID: 35346344, PMCID: PMC8962531